The following is an entry in ClinVar:

NM_024642.5(GALNT12):c.1584T>C (p.Asn528=)

Gene: GALNT12 (polypeptide N-acetylgalactosaminyltransferase 12; plus strand). Cytogenetic location: 9q22.33.
Variant type: single nucleotide variant.
Coding change: c.1584T>C on transcript NM_024642.5 (MANE Select); coding-DNA position 1584, T replaced by C.
Protein change: p.Asn528=; no amino-acid change (asparagine 528 retained).
Molecular consequence: synonymous variant.
Genome position (GRCh38, 1-based): chr9:98,846,102, T>C. VCF-style: chr9-98846102-T-C. GRCh37 (hg19) VCF-style: chr9-101608384-T-C.
Identifiers: ClinVar variation 701232 (VCV000701232.14), dbSNP rs757588259, ClinGen allele CA5154319.

ClinVar aggregate classification (germline): Benign/Likely benign. Review status: criteria provided, multiple submitters, no conflicts (2 of 4 stars). 3 submissions from 3 submitters: Benign (1); Likely benign (2). Last evaluated 2026-04-27.

Conditions:
Colorectal cancer, susceptibility to, 1. Also called: COLORECTAL ADENOMA AND CANCER, SUSCEPTIBILITY TO; COLORECTAL CANCER, SUSCEPTIBILITY TO, ON CHROMOSOME 9. Identifiers: MedGen C1837315, MONDO:0012132, OMIM 608812.

Allele frequency attached by ClinVar (database versions not stated): gnomAD 0.00001; gnomAD exomes below 0.00001; TOPMed 0.00001; ExAC 0.00001.
gnomAD v4.1: 33 of 1,614,060 alleles (0.002%); highest among the groups gnomAD compares: Non-Finnish European, 0.0027%; no homozygotes.

Submissions (3):

Myriad Genetics, Inc.
Classification: Benign for Colorectal cancer, susceptibility to, 1. Last evaluated: 2026-04-27. Review status: criteria provided, single submitter. Criteria: Myriad Autosomal Dominant, Autosomal Recessive and X-Linked Classification Criteria (2023). Collection method: clinical testing. Allele origin: unknown.
Comment: This variant is considered benign. This variant is a silent/synonymous amino acid change and it is not expected to impact splicing.

Labcorp Genetics (formerly Invitae), Labcorp
Classification: Likely benign. Last evaluated: 2021-01-24. Review status: criteria provided, single submitter. Criteria: Invitae Variant Classification Sherloc (09022015). Collection method: clinical testing. Allele origin: germline.

Ambry Genetics
Classification: Likely benign. Last evaluated: 2018-03-27. Review status: criteria provided, single submitter. Criteria: Ambry Variant Classification Scheme 2023. Collection method: clinical testing. Allele origin: germline.